The following is an entry in ClinVar:

ClinVar aggregate classification (germline): Uncertain significance (1 of 4 stars; one submission).

Allele frequency attached by ClinVar (database versions not stated): gnomAD exomes 0.00001.
gnomAD v4.1: 10 of 1,614,198 alleles (0.00062%); highest among the groups gnomAD compares: Non-Finnish European, 0.00085%; no homozygotes.

Submission:

Labcorp Genetics (formerly Invitae), Labcorp
Classification: Uncertain significance. Last evaluated: 2023-05-22. Review status: criteria provided, single submitter. Criteria: Invitae Variant Classification Sherloc (09022015). Collection method: clinical testing. Allele origin: germline.
Comment: In summary, the available evidence is currently insufficient to determine the role of this variant in disease. Therefore, it has been classified as a Variant of Uncertain Significance. Advanced modeling of protein sequence and biophysical properties (such as structural, functional, and spatial information, amino acid conservation, physicochemical variation, residue mobility, and thermodynamic stability) performed at Invitae indicates that this missense variant is not expected to disrupt MYH3 protein function. ClinVar contains an entry for this variant (Variation ID: 2078719). This variant has not been reported in the literature in individuals affected with MYH3-related conditions. This variant is not present in population databases (gnomAD no frequency). This sequence change replaces threonine, which is neutral and polar, with alanine, which is neutral and non-polar, at codon 586 of the MYH3 protein (p.Thr586Ala).

NM_002470.4(MYH3):c.1756A>G (p.Thr586Ala)

Gene: MYH3 (myosin heavy chain 3; minus strand). Cytogenetic location: 17p13.1.
Variant type: single nucleotide variant.
Coding change: c.1756A>G on transcript NM_002470.4 (MANE Select); coding-DNA position 1756, A replaced by G.
Protein change: p.Thr586Ala; replaces threonine 586 with alanine.
Molecular consequence: missense variant.
Genome position (GRCh38, 1-based): chr17:10,642,549, T>C on the plus strand (A>G on the coding strand, the complement: MYH3 is on the minus strand). VCF-style: chr17-10642549-T-C. GRCh37 (hg19) VCF-style: chr17-10545866-T-C.
Other names: short protein forms T586A.
Identifiers: ClinVar variation 2078719 (VCV002078719.4), dbSNP rs2508612138, ClinGen allele CA398171334.